The following is an entry in ClinVar:

NM_016123.4(IRAK4):c.869_885del (p.Lys290fs)

Gene: IRAK4 (interleukin 1 receptor associated kinase 4; plus strand). Cytogenetic location: 12q12.
Variant type: Deletion.
Coding change: c.869_885del on transcript NM_016123.4 (MANE Select); coding-DNA positions 869 to 885, 17 bases deleted (AGATTGCTCAGGGTGCA).
Protein change: p.Lys290fs; shifts the reading frame from lysine 290.
Molecular consequence: frameshift variant.
Genome position (GRCh38, 1-based): chr12:43,778,230-43,778,246, AGATTGCTCAGGGTGCA deleted; deleting any 17 consecutive bases within chr12:43,778,226-43,778,246 gives the same sequence; the c. name uses the placement nearest the transcript's 3' end. VCF-style (leftmost placement, unchanged base first): chr12-43778225-ATGCAAGATTGCTCAGGG-A. GRCh37 (hg19) VCF-style: chr12-44172028-ATGCAAGATTGCTCAGGG-A.
Other names: c.869_885del, p.Lys290fs (NM_001114182.3, NM_001351345.2); c.497_513del, p.Lys166fs (NM_001145256.2, NM_001145257.2, NM_001145258.2 and 5 more transcripts); c.260_276del, p.Lys87fs (NM_001351343.2, NM_001351344.2); short protein forms K166fs, K87fs, K290fs.
Identifiers: ClinVar variation 846951 (VCV000846951.11), dbSNP rs1941465194, ClinGen allele CA916082345.

ClinVar aggregate classification (germline): Pathogenic (1 of 4 stars; one submission).

Conditions:
Immunodeficiency 67. Also called: Immunodeficiency due to interleukin-1 receptor-associated kinase-4 deficiency. Identifiers: Orphanet 70592, MedGen C1843256, MONDO:0011888, OMIM 607676.

Submission:

Labcorp Genetics (formerly Invitae), Labcorp
Classification: Pathogenic for Immunodeficiency 67. Last evaluated: 2023-08-17. Review status: criteria provided, single submitter. Criteria: Invitae Variant Classification Sherloc (09022015). Collection method: clinical testing. Allele origin: germline.
Comment: For these reasons, this variant has been classified as Pathogenic. ClinVar contains an entry for this variant (Variation ID: 846951). This variant has not been reported in the literature in individuals affected with IRAK4-related conditions. This variant is not present in population databases (gnomAD no frequency). This sequence change creates a premature translational stop signal (p.Lys290Serfs*2) in the IRAK4 gene. It is expected to result in an absent or disrupted protein product. Loss-of-function variants in IRAK4 are known to be pathogenic (PMID: 17893200, 21057262).

Literature cited by the submitters: PubMed 17893200; PubMed 21057262.